The following is an entry in ClinVar:

ClinVar aggregate classification (germline): Pathogenic (1 of 4 stars; one submission).

Conditions:
Kleefstra syndrome 1 (KLEFS1). Identifiers: Orphanet 261494, MedGen C0795833, MONDO:0027407, OMIM 610253.

Submission:

Laboratory of Medical Genetics, National & Kapodistrian University of Athens
Classification: Pathogenic for Kleefstra syndrome 1. Last evaluated: 2022-01-10. Review status: criteria provided, single submitter. Criteria: ACMG Guidelines, 2015. Collection method: clinical testing. Allele origin: de novo. Affected: yes.
Comment: PVS1, PS2, PM2

NM_024757.5(EHMT1):c.2799del (p.His933fs)

Gene: EHMT1 (euchromatic histone lysine methyltransferase 1; plus strand). Cytogenetic location: 9q34.3.
Variant type: Deletion.
Coding change: c.2799del on transcript NM_024757.5 (MANE Select); coding-DNA position 2799, one base deleted (C; older notation c.2799delC).
Protein change: p.His933fs; shifts the reading frame from histidine 933.
Molecular consequence: frameshift variant.
Genome position (GRCh38, 1-based): chr9:137,811,547, C deleted. VCF-style (leftmost placement, unchanged base first): chr9-137811546-AC-A. GRCh37 (hg19) VCF-style: chr9-140705998-AC-A.
Other names: c.2778del, p.His926fs (NM_001354263.2); short protein forms H926fs, H933fs.
Identifiers: ClinVar variation 1708114 (VCV001708114.1), dbSNP rs2538621598, ClinGen allele CA2580080992.
Genomic context (GRCh38, chr9:137,811,546, plus strand): 5'-CGGCGTTCTCCGGCTGCGTGGACATAGCCGAGATCCTGCTGGCTGCCAAGTGCGACCTCC[AC>A]GCCGTGAACATCCACGGAGACTCGCCACTGCACATTGCCGCCCGGGAGAACCGCTACGAC-3'